The following is an entry in ClinVar:

NM_012079.6(DGAT1):c.772G>A (p.Ala258Thr)

Gene: DGAT1 (diacylglycerol O-acyltransferase 1; minus strand). Cytogenetic location: 8q24.3.
Variant type: single nucleotide variant.
Coding change: c.772G>A on transcript NM_012079.6 (MANE Select); coding-DNA position 772, G replaced by A.
Protein change: p.Ala258Thr; replaces alanine 258 with threonine.
Molecular consequence: missense variant.
Genome position (GRCh38, 1-based): chr8:144,317,997, C>T on the plus strand (G>A on the coding strand, the complement: DGAT1 is on the minus strand). VCF-style: chr8-144317997-C-T. GRCh37 (hg19) VCF-style: chr8-145541660-C-T.
Other names: short protein forms A258T.
Identifiers: ClinVar variation 1005526 (VCV001005526.4), dbSNP rs144983092, ClinGen allele CA4936844.

ClinVar aggregate classification (germline): Uncertain significance. Review status: criteria provided, multiple submitters, no conflicts (2 of 4 stars). 2 submissions from 2 submitters: Uncertain significance (2). Last evaluated 2025-02-26.

Allele frequency attached by ClinVar (database versions not stated): gnomAD 0.00006 and 0.00007; ExAC 0.00007; gnomAD exomes 0.00007; TOPMed 0.00007; ESP Exome Variant Server 0.00008.

Submissions (2):

Labcorp Genetics (formerly Invitae), Labcorp
Classification: Uncertain significance. Last evaluated: 2025-02-26. Review status: criteria provided, single submitter. Criteria: Invitae Variant Classification Sherloc (09022015). Collection method: clinical testing. Allele origin: germline.
Comment: This sequence change replaces alanine, which is neutral and non-polar, with threonine, which is neutral and polar, at codon 258 of the DGAT1 protein (p.Ala258Thr). This variant is present in population databases (rs144983092, gnomAD 0.02%). This variant has not been reported in the literature in individuals affected with DGAT1-related conditions. ClinVar contains an entry for this variant (Variation ID: 1005526). Invitae Evidence Modeling of protein sequence and biophysical properties (such as structural, functional, and spatial information, amino acid conservation, physicochemical variation, residue mobility, and thermodynamic stability) indicates that this missense variant is not expected to disrupt DGAT1 protein function with a negative predictive value of 80%. In summary, the available evidence is currently insufficient to determine the role of this variant in disease. Therefore, it has been classified as a Variant of Uncertain Significance.

Breakthrough Genomics
Classification: Uncertain significance. Review status: criteria provided, single submitter. Criteria: ACMG Guidelines, 2015. Collection method: not provided. Allele origin: germline. Inheritance: Autosomal recessive inheritance. Affected: yes.